The following is an entry in ClinVar:

ClinVar aggregate classification (germline): Uncertain significance (1 of 4 stars; one submission).

Conditions:
COG4-congenital disorder of glycosylation. Also called: CONGENITAL DISORDER OF GLYCOSYLATION, TYPE IIj; CDG IIj; COG4-CDG. Identifiers: Orphanet 263501, MedGen C4303552, MONDO:0013281, OMIM 613489.

Submission:

Labcorp Genetics (formerly Invitae), Labcorp
Classification: Uncertain significance for COG4-congenital disorder of glycosylation. Last evaluated: 2023-11-15. Review status: criteria provided, single submitter. Criteria: Invitae Variant Classification Sherloc (09022015). Collection method: clinical testing. Allele origin: germline.
Comment: This sequence change replaces glutamic acid, which is acidic and polar, with aspartic acid, which is acidic and polar, at codon 692 of the COG4 protein (p.Glu692Asp). This variant is not present in population databases (gnomAD no frequency). This variant has not been reported in the literature in individuals affected with COG4-related conditions. Advanced modeling of protein sequence and biophysical properties (such as structural, functional, and spatial information, amino acid conservation, physicochemical variation, residue mobility, and thermodynamic stability) has been performed at Invitae for this missense variant, however the output from this modeling did not meet the statistical confidence thresholds required to predict the impact of this variant on COG4 protein function. In summary, the available evidence is currently insufficient to determine the role of this variant in disease. Therefore, it has been classified as a Variant of Uncertain Significance.

NM_015386.3(COG4):c.2076G>T (p.Glu692Asp)

Gene: COG4 (component of oligomeric golgi complex 4; minus strand). Cytogenetic location: 16q22.1.
Variant type: single nucleotide variant.
Coding change: c.2076G>T on transcript NM_015386.3 (MANE Select); coding-DNA position 2076, G replaced by T.
Protein change: p.Glu692Asp; replaces glutamic acid 692 with aspartic acid.
Molecular consequence: missense variant. On other transcripts: non-coding transcript variant (1).
Genome position (GRCh38, 1-based): chr16:70,481,794, C>A on the plus strand (G>T on the coding strand, the complement: COG4 is on the minus strand). VCF-style: chr16-70481794-C-A. GRCh37 (hg19) VCF-style: chr16-70515697-C-A.
Other names: c.2001G>T, p.Glu667Asp (NM_001195139.2); c.1650G>T, p.Glu550Asp (NM_001365426.1); short protein forms E550D, E692D, E667D.
Identifiers: ClinVar variation 2870841 (VCV002870841.3), dbSNP rs2507464630, ClinGen allele CA396578861.
Genomic context (GRCh38, chr16:70,481,794, plus strand): 5'-AGCCGCAGACCCATGACCCCTTTACCTTACCCGGTTAAAGGTGGATTTCAGCACCACTTT[C>A]TCCAACTCGACGGCAACAAGGCTAGTCATGAGGCCGGTTAGGCTGTCGTAGATGACCGGG-3'
Protein context (NP_056201.2, residues 682-702): LMTSLVAVEL[Glu692Asp]KVVLKSTFNR